The following is an entry in ClinVar:

NM_177972.3(TUB):c.389A>G (p.Lys130Arg)

Genes: RIC3 (RIC3 acetylcholine receptor chaperone; minus strand), TUB (TUB bipartite transcription factor; plus strand). Cytogenetic location: 11p15.4.
Variant type: single nucleotide variant.
Coding change: c.389A>G on transcript NM_177972.3 (MANE Select); coding-DNA position 389, A replaced by G.
Protein change: p.Lys130Arg; replaces lysine 130 with arginine.
Molecular consequence: missense variant.
Genome position (GRCh38, 1-based): chr11:8,094,181, A>G. VCF-style: chr11-8094181-A-G. GRCh37 (hg19) VCF-style: chr11-8115728-A-G.
Other names: c.407A>G, p.Lys136Arg (NM_001440538.1, NM_001440539.1, NM_001440540.1 and 1 more transcripts); c.389A>G, p.Lys130Arg (NM_001440541.1); c.554A>G, p.Lys185Arg (NM_003320.5); short protein forms K130R, K136R, K185R.
Identifiers: ClinVar variation 4882701 (VCV004882701.2).

ClinVar aggregate classification (germline): Uncertain significance (1 of 4 stars; one submission).

Submission:

Dasa
Classification: Uncertain significance. Last evaluated: 2026-03-05. Review status: criteria provided, single submitter. Criteria: DASA Assertion Criteria. Collection method: clinical testing. Allele origin: germline.
Comment: NM_177972.3(TUB):c.389A>G (p.Lys130Arg) is a missense variant that results in the substitution of lysine with arginine. This variant is absent from population databases. The currently available literature and clinical evidence are not sufficient to establish a definitive association between this variant and the reported condition. Therefore, this variant is classified as a variant of uncertain significance.